The following is an entry in ClinVar:

ClinVar aggregate classification (germline): Uncertain significance (1 of 4 stars; one submission).

Allele frequency attached by ClinVar (database versions not stated): gnomAD 0.00004; gnomAD exomes below 0.00001; TOPMed 0.00003.
gnomAD v4.1: 8 of 1,614,098 alleles (0.0005%); highest among the groups gnomAD compares: Admixed American, 0.01%; no homozygotes.

Submission:

Labcorp Genetics (formerly Invitae), Labcorp
Classification: Uncertain significance. Last evaluated: 2025-10-06. Review status: criteria provided, single submitter. Criteria: Invitae Variant Classification Sherloc (09022015). Collection method: clinical testing. Allele origin: germline.
Comment: This sequence change replaces serine, which is neutral and polar, with asparagine, which is neutral and polar, at codon 284 of the POLR1C protein (p.Ser284Asn). This variant is present in population databases (no rsID available, gnomAD 0.007%). This variant has not been reported in the literature in individuals affected with POLR1C-related conditions. ClinVar contains an entry for this variant (Variation ID: 1981953). Invitae Evidence Modeling of protein sequence and biophysical properties (such as structural, functional, and spatial information, amino acid conservation, physicochemical variation, residue mobility, and thermodynamic stability) indicates that this missense variant is not expected to disrupt POLR1C protein function with a negative predictive value of 80%. In summary, the available evidence is currently insufficient to determine the role of this variant in disease. Therefore, it has been classified as a Variant of Uncertain Significance.

NM_203290.4(POLR1C):c.851G>A (p.Ser284Asn)

Gene: POLR1C (RNA polymerase I and III subunit C; plus strand). Cytogenetic location: 6p21.1.
Variant type: single nucleotide variant.
Coding change: c.851G>A on transcript NM_203290.4 (MANE Select); coding-DNA position 851, G replaced by A.
Protein change: p.Ser284Asn; replaces serine 284 with asparagine.
Molecular consequence: missense variant.
Genome position (GRCh38, 1-based): chr6:43,520,977, G>A. VCF-style: chr6-43520977-G-A. GRCh37 (hg19) VCF-style: chr6-43488715-G-A.
Other names: c.851G>A, p.Ser284Asn (NM_001318876.2, NM_001363658.2); short protein forms S284N.
Identifiers: ClinVar variation 1981953 (VCV001981953.4), dbSNP rs865979957, ClinGen allele CA138324932.